The following is an entry in ClinVar:

ClinVar aggregate classification (germline): Uncertain significance (1 of 4 stars; one submission).

Conditions:
Familial adenomatous polyposis 1 (FAP1). Also called: FAMILIAL ADENOMATOUS POLYPOSIS 1, ATTENUATED; POLYPOSIS, ADENOMATOUS INTESTINAL. Identifiers: MedGen C2713442, MONDO:0021056, OMIM 175100. Disease mechanism: loss of function.

gnomAD v4.1: 3 of 1,614,032 alleles (0.00019%); highest among the groups gnomAD compares: Non-Finnish European, 0.00025%; no homozygotes.

Submission:

Labcorp Genetics (formerly Invitae), Labcorp
Classification: Uncertain significance for Familial adenomatous polyposis 1. Last evaluated: 2024-04-27. Review status: criteria provided, single submitter. Criteria: Invitae Variant Classification Sherloc (09022015). Collection method: clinical testing. Allele origin: germline.
Comment: This sequence change replaces histidine, which is basic and polar, with tyrosine, which is neutral and polar, at codon 1013 of the APC protein (p.His1013Tyr). This variant is not present in population databases (gnomAD no frequency). This variant has not been reported in the literature in individuals affected with APC-related conditions. Advanced modeling of protein sequence and biophysical properties (such as structural, functional, and spatial information, amino acid conservation, physicochemical variation, residue mobility, and thermodynamic stability) performed at Invitae indicates that this missense variant is not expected to disrupt APC protein function with a negative predictive value of 95%. In summary, the available evidence is currently insufficient to determine the role of this variant in disease. Therefore, it has been classified as a Variant of Uncertain Significance.

NM_000038.6(APC):c.3037C>T (p.His1013Tyr)

Gene: APC (APC regulator of Wnt signaling pathway; plus strand). Cytogenetic location: 5q22.2.
Variant type: single nucleotide variant.
Coding change: c.3037C>T on transcript NM_000038.6 (MANE Select); coding-DNA position 3037, C replaced by T.
Protein change: p.His1013Tyr; replaces histidine 1013 with tyrosine.
Molecular consequence: missense variant. On other transcripts: non-coding transcript variant (2).
Genome position (GRCh38, 1-based): chr5:112,838,631, C>T. VCF-style: chr5-112838631-C-T. GRCh37 (hg19) VCF-style: chr5-112174328-C-T.
Other names: c.3037C>T, p.His1013Tyr (NM_001127510.3, NM_001354895.2, NM_001407450.1); c.2983C>T, p.His995Tyr (NM_001127511.3); c.3091C>T, p.His1031Tyr (NM_001354896.2, NM_001407447.1, NM_001407448.1 and 1 more transcripts); c.3067C>T, p.His1023Tyr (NM_001354897.2); c.2962C>T, p.His988Tyr (NM_001354898.2); c.2953C>T, p.His985Tyr (NM_001354899.2); c.2914C>T, p.His972Tyr (NM_001354900.2); c.2860C>T, p.His954Tyr (NM_001354901.2, NM_001407453.1); and 11 more; short protein forms H1006Y, H1013Y, H1023Y, H1031Y, H887Y, H954Y, H1003Y, H1041Y.
Identifiers: ClinVar variation 3018351 (VCV003018351.3), dbSNP rs2149882847, ClinGen allele CA16027977.